The following is an entry in ClinVar:

ClinVar aggregate classification (germline): Likely benign. Review status: criteria provided, multiple submitters, no conflicts (2 of 4 stars). 3 submissions from 3 submitters: Likely benign (3). Last evaluated 2026-02-04.

Conditions:
Inflammatory skin and bowel disease, neonatal, 1. Identifiers: Orphanet 294023, MedGen C3280501, MONDO:0013693, OMIM 614328.

Allele frequency attached by ClinVar (database versions not stated): gnomAD exomes 0.00063 and 0.00026; ExAC 0.00075; 1000 Genomes Project 0.00180; 1000 Genomes Project 30x 0.00250; TOPMed 0.00273; gnomAD 0.00285 and 0.00312; ESP Exome Variant Server 0.00346.
gnomAD v4.1: 811 of 1,613,178 alleles (0.05%); highest among the groups gnomAD compares: African/African-American, 0.98%; 2 homozygotes.

Submissions (3):

Women's Health and Genetics/Laboratory Corporation of America, LabCorp
Classification: Likely benign. Last evaluated: 2026-02-04. Review status: criteria provided, single submitter. Criteria: LabCorp Variant Classification Summary - May 2015. Collection method: clinical testing. Allele origin: germline.
Comment: Variant summary: ADAM17 c.232C>G (p.His78Asp) results in a non-conservative amino acid change in the encoded protein sequence. Algorithms developed to predict the effect of missense changes on protein structure and function are either unavailable or do not agree on the potential impact of this missense change. The variant allele was found at a frequency of 0.00063 in 250432 control chromosomes, predominantly at a frequency of 0.0087 within the African or African-American subpopulation in the gnomAD database, including 1 homozygote. The observed variant frequency within African or African-American control individuals in the gnomAD database exceeds the estimated maximal expected allele frequency for disease-causing variants in ADAM17. To our knowledge, no occurrence of c.232C>G in individuals affected with ADAM17-related conditions and no experimental evidence demonstrating its impact on protein function have been reported. ClinVar contains an entry for this variant (Variation ID: 780814). Based on the evidence outlined above, the variant was classified as likely benign.

Labcorp Genetics (formerly Invitae), Labcorp
Classification: Likely benign for Inflammatory skin and bowel disease, neonatal, 1. Last evaluated: 2025-12-29. Review status: criteria provided, single submitter. Criteria: Invitae Variant Classification Sherloc (09022015). Collection method: clinical testing. Allele origin: germline.

Blueprint Genetics
Classification: Likely benign. Last evaluated: 2024-07-10. Review status: criteria provided, single submitter. Criteria: ACMG Guidelines, 2015. Collection method: clinical testing. Allele origin: germline.

NM_003183.6(ADAM17):c.232C>G (p.His78Asp)

Gene: ADAM17 (ADAM metallopeptidase domain 17; minus strand). Cytogenetic location: 2p25.1.
Variant type: single nucleotide variant.
Coding change: c.232C>G on transcript NM_003183.6 (MANE Select); coding-DNA position 232, C replaced by G.
Protein change: p.His78Asp; replaces histidine 78 with aspartic acid.
Molecular consequence: missense variant.
Genome position (GRCh38, 1-based): chr2:9,536,827, G>C on the plus strand (C>G on the coding strand, the complement: ADAM17 is on the minus strand). VCF-style: chr2-9536827-G-C. GRCh37 (hg19) VCF-style: chr2-9676956-G-C.
Other names: short protein forms H78D.
Identifiers: ClinVar variation 780814 (VCV000780814.14), dbSNP rs77759270, ClinGen allele CA1523828.